The following is an entry in ClinVar:

ClinVar aggregate classification (germline): Likely benign. Review status: criteria provided, multiple submitters, no conflicts (2 of 4 stars). 3 submissions from 3 submitters: Likely benign (3). Last evaluated 2025-09-01.

Allele frequency attached by ClinVar (database versions not stated): 1000 Genomes Project 0.00080; 1000 Genomes Project 30x 0.00094; gnomAD 0.00147 and 0.00150; TOPMed 0.00151; ESP Exome Variant Server 0.00215.
gnomAD v4.1: 3,588 of 1,614,162 alleles (0.22%); highest among the groups gnomAD compares: Non-Finnish European, 0.28%; 5 homozygotes.

Submissions (3):

CeGaT Center for Human Genetics Tuebingen
Classification: Likely benign. Last evaluated: 2025-09-01. Review status: criteria provided, single submitter. Criteria: CeGaT Center For Human Genetics Tuebingen Variant Classification Criteria Version 2. Collection method: clinical testing. Allele origin: germline. Affected: yes. Observed: 2 variant alleles.
Comment: ADH1C: BP4, BP7

Labcorp Genetics (formerly Invitae), Labcorp
Classification: Likely benign. Last evaluated: 2018-07-18. Review status: criteria provided, single submitter. Criteria: Invitae Variant Classification Sherloc (09022015). Collection method: clinical testing. Allele origin: germline.

Breakthrough Genomics
Classification: Likely benign. Review status: criteria provided, single submitter. Criteria: ACMG Guidelines, 2015. Collection method: not provided. Allele origin: germline. Inheritance: Autosomal dominant inheritance. Affected: yes.

NM_000669.5(ADH1C):c.423C>T (p.Phe141=)

Gene: ADH1C (alcohol dehydrogenase 1C (class I), gamma polypeptide; minus strand). Cytogenetic location: 4q23.
Variant type: single nucleotide variant.
Coding change: c.423C>T on transcript NM_000669.5 (MANE Select); coding-DNA position 423, C replaced by T.
Protein change: p.Phe141=; no amino-acid change (phenylalanine 141 retained).
Molecular consequence: synonymous variant. On other transcripts: non-coding transcript variant (1).
Genome position (GRCh38, 1-based): chr4:99,345,006, G>A on the plus strand (C>T on the coding strand, the complement: ADH1C is on the minus strand). VCF-style: chr4-99345006-G-A. GRCh37 (hg19) VCF-style: chr4-100266163-G-A.
Identifiers: ClinVar variation 730985 (VCV000730985.23), dbSNP rs35725608, ClinGen allele CA3020410.